The following is an entry in ClinVar:

NM_014000.3(VCL):c.2950-6C>T

Gene: VCL (vinculin; plus strand). Cytogenetic location: 10q22.2.
Variant type: single nucleotide variant.
Coding change: c.2950-6C>T on transcript NM_014000.3 (MANE Select); 6 bases into the intron before coding-DNA position 2950, C replaced by T.
Molecular consequence: intron variant.
Genome position (GRCh38, 1-based): chr10:74,114,178, C>T. VCF-style: chr10-74114178-C-T. GRCh37 (hg19) VCF-style: chr10-75873936-C-T.
Other names: c.2746-6C>T (NM_003373.4).
Identifiers: ClinVar variation 536716 (VCV000536716.12), dbSNP rs771375471, ClinGen allele CA5563360.

ClinVar aggregate classification (germline): Likely benign. Review status: criteria provided, multiple submitters, no conflicts (2 of 4 stars). 2 submissions from 2 submitters: Likely benign (2). Last evaluated 2026-05-04.

Conditions:
VCL-related disorder. Also called: VCL-related condition.
Dilated cardiomyopathy 1W (CMD1W). Identifiers: Orphanet 154, MedGen C1969639, MONDO:0012667, OMIM 611407.

Allele frequency attached by ClinVar (database versions not stated): ExAC 0.00001; gnomAD exomes 0.00001; TOPMed 0.00002; gnomAD 0.00003.
gnomAD v4.1: 88 of 1,612,824 alleles (0.0055%); highest among the groups gnomAD compares: Non-Finnish European, 0.0074%; no homozygotes.

Submissions (2):

PreventionGenetics, part of Exact Sciences
Classification: Likely benign for VCL-related condition. Last evaluated: 2026-05-04. Review status: criteria provided, single submitter. Criteria: ACMG Guidelines, 2015. Collection method: clinical testing. Allele origin: germline.
Comment: This variant is classified as likely benign based on ACMG/AMP sequence variant interpretation guidelines (Richards et al. 2015 PMID: 25741868, with internal and published modifications).

Labcorp Genetics (formerly Invitae), Labcorp
Classification: Likely benign for Dilated cardiomyopathy 1W. Last evaluated: 2025-11-16. Review status: criteria provided, single submitter. Criteria: Invitae Variant Classification Sherloc (09022015). Collection method: clinical testing. Allele origin: germline.